The following is an entry in ClinVar:

ClinVar aggregate classification (germline): Uncertain significance (1 of 4 stars; one submission).

Conditions:
Cardiovascular phenotype. Identifiers: MedGen CN230736.

Submission:

Ambry Genetics
Classification: Uncertain significance for Cardiovascular phenotype. Last evaluated: 2023-10-02. Review status: criteria provided, single submitter. Criteria: Ambry Variant Classification Scheme 2023. Collection method: clinical testing. Allele origin: germline.
Comment: The p.E777G variant (also known as c.2330A>G), located in coding exon 17 of the RASA1 gene, results from an A to G substitution at nucleotide position 2330. The glutamic acid at codon 777 is replaced by glycine, an amino acid with similar properties. This amino acid position is conserved. In addition, this alteration is predicted to be deleterious by in silico analysis. Since supporting evidence is limited at this time, the clinical significance of this alteration remains unclear.

NM_002890.3(RASA1):c.2330A>G (p.Glu777Gly)

Genes: CCNH (cyclin H; minus strand), RASA1 (RAS p21 protein activator 1; plus strand). Cytogenetic location: 5q14.3.
Variant type: single nucleotide variant.
Coding change: c.2330A>G on transcript NM_002890.3 (MANE Select); coding-DNA position 2330, A replaced by G.
Protein change: p.Glu777Gly; replaces glutamic acid 777 with glycine.
Molecular consequence: missense variant. On other transcripts: intron variant (1).
Genome position (GRCh38, 1-based): chr5:87,377,026, A>G. VCF-style: chr5-87377026-A-G. GRCh37 (hg19) VCF-style: chr5-86672843-A-G.
Other names: c.1799A>G, p.Glu600Gly (NM_022650.3); c.933+18018T>C (NM_001364075.2); short protein forms E600G, E777G.
Identifiers: ClinVar variation 3222913 (VCV003222913.1), dbSNP rs2531350193, ClinGen allele CA360381308.